The following is an entry in ClinVar:

NM_002485.5(NBN):c.19G>C (p.Ala7Pro)

Gene: NBN (nibrin; minus strand). Cytogenetic location: 8q21.3.
Variant type: single nucleotide variant.
Coding change: c.19G>C on transcript NM_002485.5 (MANE Select); coding-DNA position 19, G replaced by C.
Protein change: p.Ala7Pro; replaces alanine 7 with proline.
Molecular consequence: missense variant. On other transcripts: 5 prime UTR variant (1).
Genome position (GRCh38, 1-based): chr8:89,984,543, C>G on the plus strand (G>C on the coding strand, the complement: NBN is on the minus strand). VCF-style: chr8-89984543-C-G. GRCh37 (hg19) VCF-style: chr8-90996771-C-G.
Other names: c.-278G>C (NM_001024688.3); short protein forms A7P.
Identifiers: ClinVar variation 1387472 (VCV001387472.3), dbSNP rs587780779, ClinGen allele CA371664176.
Genomic context (GRCh38, chr8:89,984,543, plus strand): 5'-CTACCGGGAAAATAGGCCCCGAGGCTTCCCTTCTGCCCTTACCTCCTGCCGGGCCCGCGG[C>G]GGGCAGCAGTTTCCACATCGGTCCGGCTCCTCAGGGCTGGGGCCGACGTGCAACCGCGTA-3'
Protein context (NP_002476.2, residues 1-17): MWKLLP[Ala7Pro]AGPAGGEPYR

ClinVar aggregate classification (germline): Uncertain significance (1 of 4 stars; one submission).

Conditions:
Microcephaly, normal intelligence and immunodeficiency (NBS). Also called: SEEMANOVA SYNDROME II; IMMUNODEFICIENCY, MICROCEPHALY, AND CHROMOSOMAL INSTABILITY; Immunodeficiency, microcephaly with normal intelligence; BERLIN BREAKAGE SYNDROME; Nijmegen breakage syndrome; Microcephaly with normal intelligence immunodeficiency and lymphoreticular malignancies. Identifiers: Orphanet 647, MedGen C0398791, MONDO:0009623, OMIM 251260.

Submission:

Labcorp Genetics (formerly Invitae), Labcorp
Classification: Uncertain significance for Microcephaly, normal intelligence and immunodeficiency. Last evaluated: 2021-10-16. Review status: criteria provided, single submitter. Criteria: Invitae Variant Classification Sherloc (09022015). Collection method: clinical testing. Allele origin: germline.
Comment: This sequence change replaces alanine with proline at codon 7 of the NBN protein (p.Ala7Pro). The alanine residue is weakly conserved and there is a small physicochemical difference between alanine and proline. This variant is not present in population databases (ExAC no frequency). This variant has not been reported in the literature in individuals affected with NBN-related conditions. Algorithms developed to predict the effect of missense changes on protein structure and function are either unavailable or do not agree on the potential impact of this missense change (SIFT: "Tolerated"; PolyPhen-2: "Possibly Damaging"; Align-GVGD: "Class C0"). In summary, the available evidence is currently insufficient to determine the role of this variant in disease. Therefore, it has been classified as a Variant of Uncertain Significance.